The following is an entry in ClinVar:

NM_006231.4(POLE):c.5352G>C (p.Glu1784Asp)

Gene: POLE (DNA polymerase epsilon, catalytic subunit; minus strand). Cytogenetic location: 12q24.33.
Variant type: single nucleotide variant.
Coding change: c.5352G>C on transcript NM_006231.4 (MANE Select); coding-DNA position 5352, G replaced by C.
Protein change: p.Glu1784Asp; replaces glutamic acid 1784 with aspartic acid.
Molecular consequence: missense variant.
Genome position (GRCh38, 1-based): chr12:132,641,673, C>G on the plus strand (G>C on the coding strand, the complement: POLE is on the minus strand). VCF-style: chr12-132641673-C-G. GRCh37 (hg19) VCF-style: chr12-133218259-C-G.
Other names: short protein forms E1784D.
Identifiers: ClinVar variation 473727 (VCV000473727.8), dbSNP rs1555222265, ClinGen allele CA387375770.
Genomic context (GRCh38, chr12:132,641,673, plus strand): 5'-TATTAGTAACACTCCTTCCCAGAGAGGGTGGCACCTGAAGGTGTTAGAGCACAGGGCTGT[C>G]TCATCGTAGCTGGCCGGGGCACTGGCAGCCTGACCACCCGTGATCATGTCCTCCAGGGAG-3'
Protein context (NP_006222.2, residues 1774-1794): QAASAPASYD[Glu1784Asp]TALCSNTFRI

ClinVar aggregate classification (germline): Uncertain significance (1 of 4 stars; one submission).

Submission:

Labcorp Genetics (formerly Invitae), Labcorp
Classification: Uncertain significance. Last evaluated: 2017-04-14. Review status: criteria provided, single submitter. Criteria: Invitae Variant Classification Sherloc (09022015). Collection method: clinical testing. Allele origin: germline.
Comment: In summary, this variant is a novel missense change that is not predicted to affect protein function. There is no indication that it causes disease, but the available evidence is currently insufficient to prove that conclusively. Therefore, it has been classified as a Variant of Uncertain Significance. Algorithms developed to predict the effect of missense changes on protein structure and function (SIFT, PolyPhen-2, Align-GVGD) all suggest that this variant is likely to be tolerated, but these predictions have not been confirmed by published functional studies. This variant is not present in population databases (ExAC no frequency) and has not been reported in the literature in individuals with a POLE-related disease. This sequence change replaces glutamic acid with aspartic acid at codon 1784 of the POLE protein (p.Glu1784Asp). The glutamic acid residue is highly conserved and there is a small physicochemical difference between glutamic acid and aspartic acid.